The following is an entry in ClinVar:

NM_004517.4(ILK):c.36C>G (p.Asn12Lys)

Genes: ILK (integrin linked kinase; plus strand), LOC130005201 (ATAC-STARR-seq lymphoblastoid active region 4345; plus strand). Cytogenetic location: 11p15.4.
Variant type: single nucleotide variant.
Coding change: c.36C>G on transcript NM_004517.4 (MANE Select); coding-DNA position 36, C replaced by G.
Protein change: p.Asn12Lys; replaces asparagine 12 with lysine.
Molecular consequence: missense variant. On other transcripts: 5 prime UTR variant (1).
Genome position (GRCh38, 1-based): chr11:6,604,307, C>G. VCF-style: chr11-6604307-C-G. GRCh37 (hg19) VCF-style: chr11-6625537-C-G.
Other names: c.36C>G, p.Asn12Lys (NM_001014794.3, NM_001014795.3, NM_001278441.2); c.-201C>G (NM_001278442.2); short protein forms N12K.
Identifiers: ClinVar variation 3666804 (VCV003666804.2).

ClinVar aggregate classification (germline): Uncertain significance (1 of 4 stars; one submission).

Conditions:
Primary familial hypertrophic cardiomyopathy (HCM). Identifiers: Orphanet 99739, MedGen C0949658, MeSH D024741, MONDO:0024573. Inheritance: Various modes of inheritance.

Submission:

Labcorp Genetics (formerly Invitae), Labcorp
Classification: Uncertain significance for Primary familial hypertrophic cardiomyopathy. Last evaluated: 2025-04-13. Review status: criteria provided, single submitter. Criteria: Invitae Variant Classification Sherloc (09022015). Collection method: clinical testing. Allele origin: germline.
Comment: This sequence change replaces asparagine, which is neutral and polar, with lysine, which is basic and polar, at codon 12 of the ILK protein (p.Asn12Lys). This variant is not present in population databases (gnomAD no frequency). This variant has not been reported in the literature in individuals affected with ILK-related conditions. ClinVar contains an entry for this variant (Variation ID: 3666804). An algorithm developed to predict the effect of missense changes on protein structure and function (PolyPhen-2) suggests that this variant is likely to be disruptive. In summary, the available evidence is currently insufficient to determine the role of this variant in disease. Therefore, it has been classified as a Variant of Uncertain Significance.